The following is an entry in ClinVar:

ClinVar aggregate classification (germline): Uncertain significance. Review status: criteria provided, multiple submitters, no conflicts (2 of 4 stars). 2 submissions from 2 submitters: Uncertain significance (2). Last evaluated 2025-05-21.

Conditions:
Epilepsy, familial focal, with variable foci 3 (FFEVF3). Identifiers: MedGen C4310708, MONDO:0014925, OMIM 617118.

Submissions (2):

GeneDx
Classification: Uncertain significance. Last evaluated: 2025-05-21. Review status: criteria provided, single submitter. Criteria: GeneDx Variant Classification Process June 2021. Collection method: clinical testing. Allele origin: germline. Affected: yes.
Comment: Not observed at significant frequency in large population cohorts (gnomAD); In silico analysis supports that this missense variant has a deleterious effect on protein structure/function; Has not been previously published as pathogenic or benign to our knowledge

Labcorp Genetics (formerly Invitae), Labcorp
Classification: Uncertain significance for Epilepsy, familial focal, with variable foci 3. Last evaluated: 2024-10-10. Review status: criteria provided, single submitter. Criteria: Invitae Variant Classification Sherloc (09022015). Collection method: clinical testing. Allele origin: germline.
Comment: This sequence change replaces leucine, which is neutral and non-polar, with proline, which is neutral and non-polar, at codon 195 of the NPRL3 protein (p.Leu195Pro). This variant is not present in population databases (gnomAD no frequency). This variant has not been reported in the literature in individuals affected with NPRL3-related conditions. Invitae Evidence Modeling of protein sequence and biophysical properties (such as structural, functional, and spatial information, amino acid conservation, physicochemical variation, residue mobility, and thermodynamic stability) indicates that this missense variant is not expected to disrupt NPRL3 protein function with a negative predictive value of 80%. In summary, the available evidence is currently insufficient to determine the role of this variant in disease. Therefore, it has been classified as a Variant of Uncertain Significance.

NM_001077350.3(NPRL3):c.584T>C (p.Leu195Pro)

Genes: HBA-LCR (alpha-globin locus control region; plus strand), NPRL3 (NPR3 like, GATOR1 complex subunit; minus strand). Cytogenetic location: 16p13.3.
Variant type: single nucleotide variant.
Coding change: c.584T>C on transcript NM_001077350.3 (MANE Select); coding-DNA position 584, T replaced by C.
Protein change: p.Leu195Pro; replaces leucine 195 with proline.
Molecular consequence: missense variant.
Genome position (GRCh38, 1-based): chr16:110,570, A>G on the plus strand (T>C on the coding strand, the complement: NPRL3 is on the minus strand). VCF-style: chr16-110570-A-G. GRCh37 (hg19) VCF-style: chr16-160568-A-G.
Other names: c.584T>C (NM_001077350.2); c.47T>C, p.Leu16Pro (NM_001039476.3); c.350T>C, p.Leu117Pro (NM_001243247.2); c.509T>C, p.Leu170Pro (NM_001243248.2, NM_001243249.2); short protein forms L117P, L195P, L16P, L170P.
Identifiers: ClinVar variation 3667124 (VCV003667124.3).
Genomic context (GRCh38, chr16:110,570, plus strand): 5'-ACCCACCTGTCTTACCTGTCATAAGCTTCCTTGAGGTCCCTGGCCAGCTTGCACTTGGGC[A>G]GGATGTGATGGAATGGGGACTGAGGACCTTCATTTCCTACAAGAATCACAACACAAGATT-3'
Protein context (NP_001070818.1, residues 185-205): EGPQSPFHHI[Leu195Pro]PKCKLARDLK